The following is an entry in ClinVar:

ClinVar aggregate classification (germline): Likely benign. Review status: criteria provided, single submitter (1 of 4 stars). 2 submissions from 2 submitters: Likely benign (1). 1 of the submissions does not count toward it. Last evaluated 2024-08-12.

Conditions:
PLEC-related disorder. Also called: PLEC-related condition; PLEC-related disorders.
Epidermolysis bullosa simplex 5C, with pyloric atresia (EBS5C). Also called: PLEC-Related Epidermolysis Bullosa with Pyloric Atresia; Epidermolysis bullosa simplex with pyloric atresia; PLEC1-Related Epidermolysis Bullosa with Pyloric Atresia. Identifiers: Orphanet 158684, MedGen C2677349, MONDO:0012807, OMIM 612138.
Autosomal recessive limb-girdle muscular dystrophy type 2Q (LGMDR17). Also called: MUSCULAR DYSTROPHY, LIMB-GIRDLE, AUTOSOMAL RECESSIVE 17. Identifiers: Orphanet 254361, MedGen C3150989, MONDO:0013390, OMIM 613723.
Epidermolysis bullosa simplex with nail dystrophy (EBS5D). Identifiers: MedGen C4225309, MONDO:0014661, OMIM 616487.
Epidermolysis bullosa simplex 5B, with muscular dystrophy (EBS5B). Also called: EPIDERMOLYSIS BULLOSA SIMPLEX AND LIMB-GIRDLE MUSCULAR DYSTROPHY; Epidermolysis bullosa simplex with muscular dystrophy. Identifiers: Orphanet 257, MedGen C2931072, MONDO:0009181, OMIM 226670.
Epidermolysis bullosa simplex, Ogna type (EBS5A). Also called: Pidermolysis bullosa simplex 5A, Ogna type; EPIDERMOLYSIS BULLOSA SIMPLEX 5A, OGNA TYPE. Identifiers: Orphanet 79401, MedGen C0432317, MONDO:0007555, OMIM 131950.

Allele frequency attached by ClinVar (database versions not stated): gnomAD exomes below 0.00001 and 0.00002; gnomAD 0.00001; ExAC 0.00002; TOPMed 0.00007.
gnomAD v4.1: 10 of 1,609,200 alleles (0.00062%); highest among the groups gnomAD compares: Admixed American, 0.01%; no homozygotes.

Submissions (2):

Labcorp Genetics (formerly Invitae), Labcorp
Classification: Likely benign for Autosomal recessive limb-girdle muscular dystrophy type 2Q; Epidermolysis bullosa simplex, Ogna type; Epidermolysis bullosa simplex with nail dystrophy; Epidermolysis bullosa simplex 5C, with pyloric atresia; Epidermolysis bullosa simplex 5B, with muscular dystrophy. Last evaluated: 2024-08-12. Review status: criteria provided, single submitter. Criteria: Invitae Variant Classification Sherloc (09022015). Collection method: clinical testing. Allele origin: germline.

PreventionGenetics, part of Exact Sciences
Classification: Likely benign for PLEC-related condition. Last evaluated: 2019-02-20. Review status: no assertion criteria provided. Collection method: clinical testing. Allele origin: germline. Not counted in ClinVar's aggregate classification.
Comment: This variant is classified as likely benign based on ACMG/AMP sequence variant interpretation guidelines (Richards et al. 2015 PMID: 25741868, with internal and published modifications).

NM_201384.3(PLEC):c.8013G>C (p.Arg2671=)

Gene: PLEC (plectin; minus strand). Cytogenetic location: 8q24.3.
Variant type: single nucleotide variant.
Coding change: c.8013G>C on transcript NM_201384.3 (MANE Select); coding-DNA position 8013, G replaced by C.
Protein change: p.Arg2671=; no amino-acid change (arginine 2671 retained).
Molecular consequence: synonymous variant.
Genome position (GRCh38, 1-based): chr8:143,921,808, C>G on the plus strand (G>C on the coding strand, the complement: PLEC is on the minus strand). VCF-style: chr8-143921808-C-G. GRCh37 (hg19) VCF-style: chr8-144995976-C-G.
Other names: c.8094G>C, p.Arg2698= (NM_000445.5); c.7971G>C, p.Arg2657= (NM_201378.4); c.7947G>C, p.Arg2649= (NM_201379.3); c.8424G>C, p.Arg2808= (NM_201380.4); c.7917G>C, p.Arg2639= (NM_201381.3); c.8013G>C, p.Arg2671= (NM_201382.4); c.8025G>C, p.Arg2675= (NM_201383.3).
Identifiers: ClinVar variation 707767 (VCV000707767.9), dbSNP rs782771150, ClinGen allele CA4925453.
Genomic context (GRCh38, chr8:143,921,808, plus strand): 5'-GTAGTGGCGCACGTCTTCCCGCCGTGCGAGCTCGTCCACCGTGGTGTGGCCCTGCGCCAA[C>G]CGCTGCAGCTCCTCCGCACTCAGGATGCCGGCCTCCTGCAGCCTCTGAGCTGACACCTTC-3'
Protein context (NP_958786.1, residues 2661-2681): AGILSAEELQ[Arg2671=]LAQGHTTVDE